The following is an entry in ClinVar:

ClinVar aggregate classification (germline): Pathogenic (1 of 4 stars; one submission).

Submission:

Labcorp Genetics (formerly Invitae), Labcorp
Classification: Pathogenic. Last evaluated: 2021-12-29. Review status: criteria provided, single submitter. Criteria: Invitae Variant Classification Sherloc (09022015). Collection method: clinical testing. Allele origin: germline.
Comment: This sequence change creates a premature translational stop signal (p.Phe334Leufs*30) in the LAMC2 gene. It is expected to result in an absent or disrupted protein product. Loss-of-function variants in LAMC2 are known to be pathogenic (PMID: 11907499, 16473856). For these reasons, this variant has been classified as Pathogenic. This variant has not been reported in the literature in individuals affected with LAMC2-related conditions. This variant is not present in population databases (gnomAD no frequency).

Literature cited by the submitters: PubMed 11907499; PubMed 16473856.

NM_005562.3(LAMC2):c.1002del (p.Phe334fs)

Gene: LAMC2 (laminin subunit gamma 2; plus strand). Cytogenetic location: 1q25.3.
Variant type: Deletion.
Coding change: c.1002del on transcript NM_005562.3 (MANE Select); coding-DNA position 1002, one base deleted (T; older notation c.1002delT).
Protein change: p.Phe334fs; shifts the reading frame from phenylalanine 334.
Molecular consequence: frameshift variant.
Genome position (GRCh38, 1-based): chr1:183,225,656, T deleted; the last of 3 consecutive T bases (chr1:183,225,654-183,225,656); deleting any one gives the same sequence. VCF-style (leftmost placement, unchanged base first): chr1-183225653-CT-C. GRCh37 (hg19) VCF-style: chr1-183194788-CT-C.
Other names: c.1002del, p.Phe334fs (NM_018891.3); short protein forms F334fs.
Identifiers: ClinVar variation 1398344 (VCV001398344.6), dbSNP rs2102228165, ClinGen allele CA2573131310.